The following is an entry in ClinVar:

ClinVar aggregate classification (germline): Uncertain significance (1 of 4 stars; one submission).

Conditions:
Inborn genetic diseases. Identifiers: MedGen C0950123, MeSH D030342.

Submission:

Ambry Genetics
Classification: Uncertain significance for Inborn genetic diseases. Last evaluated: 2018-06-12. Review status: criteria provided, single submitter. Criteria: Ambry Variant Classification Scheme 2023. Collection method: clinical testing. Allele origin: germline.
Comment: The p.D359E variant (also known as c.1077C>G), located in coding exon 7 of the DHCR7 gene, results from a C to G substitution at nucleotide position 1077. The aspartic acid at codon 359 is replaced by glutamic acid, an amino acid with highly similar properties. This amino acid position is highly conserved in available vertebrate species. In addition, this alteration is predicted to be deleterious by in silico analysis. Since supporting evidence is limited at this time, the clinical significance of this alteration remains unclear.

NM_001360.3(DHCR7):c.1077C>G (p.Asp359Glu)

Gene: DHCR7 (7-dehydrocholesterol reductase; minus strand). Cytogenetic location: 11q13.4.
Variant type: single nucleotide variant.
Coding change: c.1077C>G on transcript NM_001360.3 (MANE Select); coding-DNA position 1077, C replaced by G.
Protein change: p.Asp359Glu; replaces aspartic acid 359 with glutamic acid.
Molecular consequence: missense variant.
Genome position (GRCh38, 1-based): chr11:71,435,726, G>C on the plus strand (C>G on the coding strand, the complement: DHCR7 is on the minus strand). VCF-style: chr11-71435726-G-C. GRCh37 (hg19) VCF-style: chr11-71146772-G-C.
Other names: c.1077C>G, p.Asp359Glu (NM_001163817.2); short protein forms D359E.
Identifiers: ClinVar variation 1785130 (VCV001785130.2), dbSNP rs1346912055, ClinGen allele CA381702137.
Genomic context (GRCh38, chr11:71,435,726, plus strand): 5'-CTCGATGACCTTGGGCTTCCTGCCCCAGATGAGGCAGCGCCCATCCGTGCGGCGGAACAG[G>C]TCCTTCTGGTGGTTGGCCACCCGGAAGATGTAGTAGCCCACCAGGCCCAGCAGCAGGACG-3'
Protein context (NP_001351.2, residues 349-369): YIFRVANHQK[Asp359Glu]LFRRTDGRCL